The following is an entry in ClinVar:

NM_005751.5(AKAP9):c.10528C>T (p.His3510Tyr)

Gene: AKAP9 (A-kinase anchoring protein 9; plus strand). Cytogenetic location: 7q21.2.
Variant type: single nucleotide variant.
Coding change: c.10528C>T on transcript NM_005751.5 (MANE Select); coding-DNA position 10528, C replaced by T.
Protein change: p.His3510Tyr; replaces histidine 3510 with tyrosine.
Molecular consequence: missense variant.
Genome position (GRCh38, 1-based): chr7:92,097,715, C>T. VCF-style: chr7-92097715-C-T. GRCh37 (hg19) VCF-style: chr7-91727029-C-T.
Other names: c.5173C>T, p.His1725Tyr (NM_001379277.1); c.10504C>T, p.His3502Tyr (NM_147185.3); short protein forms H1725Y, H3510Y, H3502Y.
Identifiers: ClinVar variation 2716108 (VCV002716108.5), dbSNP rs1186742224, ClinGen allele CA368156892.
Genomic context (GRCh38, chr7:92,097,715, plus strand): 5'-ACAAAAGAATCAAACTACGCTAAATTGATTGAAATGAATGGAGGAGGAACCGGCTGTAAT[C>T]ATGAATTAGAAATGATCAGACAAAAGCTTCAATGTGTAGCTTCAAAACTACAGGTTCTAC-3'
Protein context (NP_005742.4, residues 3500-3520): EMNGGGTGCN[His3510Tyr]ELEMIRQKLQ

ClinVar aggregate classification (germline): Conflicting classifications of pathogenicity. Review status: criteria provided, conflicting classifications (1 of 4 stars). 2 submissions from 2 submitters: Uncertain significance (1); Likely benign (1). Last evaluated 2026-06-04.

Conditions:
Cardiovascular phenotype. Identifiers: MedGen CN230736.
Long QT syndrome (LQTS). Identifiers: MedGen C0023976, MeSH D008133, MONDO:0002442. Disease mechanism: loss of function. Inheritance: Various modes of inheritance.

Allele frequency attached by ClinVar (database versions not stated): gnomAD 0.00001; TOPMed 0.00003.
gnomAD v4.1: 2 of 1,614,006 alleles (0.00012%); highest among the groups gnomAD compares: Admixed American, 0.0017%; no homozygotes.

Submissions (2):

Ambry Genetics
Classification: Likely benign for Cardiovascular phenotype. Last evaluated: 2026-06-04. Review status: criteria provided, single submitter. Criteria: Ambry Variant Classification Scheme 2023. Collection method: clinical testing. Allele origin: germline.

Labcorp Genetics (formerly Invitae), Labcorp
Classification: Uncertain significance for Long QT syndrome. Last evaluated: 2025-05-13. Review status: criteria provided, single submitter. Criteria: Invitae Variant Classification Sherloc (09022015). Collection method: clinical testing. Allele origin: germline.
Comment: This sequence change replaces histidine, which is basic and polar, with tyrosine, which is neutral and polar, at codon 3510 of the AKAP9 protein (p.His3510Tyr). This variant is present in population databases (no rsID available, gnomAD 0.01%). This variant has not been reported in the literature in individuals affected with AKAP9-related conditions. ClinVar contains an entry for this variant (Variation ID: 2716108). An algorithm developed to predict the effect of missense changes on protein structure and function (PolyPhen-2) suggests that this variant is likely to be tolerated. In summary, the available evidence is currently insufficient to determine the role of this variant in disease. Therefore, it has been classified as a Variant of Uncertain Significance.